The following is an entry in ClinVar:

ClinVar aggregate classification (germline): Pathogenic (1 of 4 stars; one submission).

Conditions:
Dyskeratosis congenita. Identifiers: Orphanet 1775, MedGen C0265965, MONDO:0015780.

Submission:

Labcorp Genetics (formerly Invitae), Labcorp
Classification: Pathogenic for Dyskeratosis congenita. Last evaluated: 2024-06-12. Review status: criteria provided, single submitter. Criteria: Invitae Variant Classification Sherloc (09022015). Collection method: clinical testing. Allele origin: germline.
Comment: This sequence change creates a premature translational stop signal (p.Asn217Thrfs*14) in the CTC1 gene. It is expected to result in an absent or disrupted protein product. Loss-of-function variants in CTC1 are known to be pathogenic (PMID: 22267198, 22387016). This variant is not present in population databases (gnomAD no frequency). This variant has not been reported in the literature in individuals affected with CTC1-related conditions. For these reasons, this variant has been classified as Pathogenic.

Literature cited by the submitters: PubMed 22267198; PubMed 22387016.

NM_025099.6(CTC1):c.650del (p.Asn217fs)

Gene: CTC1 (CST telomere replication complex component 1; minus strand). Cytogenetic location: 17p13.1.
Variant type: Deletion.
Coding change: c.650del on transcript NM_025099.6 (MANE Select); coding-DNA position 650, one base deleted (A; older notation c.650delA).
Protein change: p.Asn217fs; shifts the reading frame from asparagine 217.
Molecular consequence: frameshift variant.
Genome position (GRCh38, 1-based): chr17:8,237,517, T deleted on the plus strand (A on the coding strand, the reverse complement: CTC1 is on the minus strand); the first of 3 consecutive T bases (chr17:8,237,517-8,237,519); deleting any one gives the same sequence. VCF-style (leftmost placement, unchanged base first): chr17-8237516-GT-G. GRCh37 (hg19) VCF-style: chr17-8140834-GT-G.
Other names: c.650del, p.Asn217fs (NM_001411067.1); short protein forms N217fs.
Identifiers: ClinVar variation 3656334 (VCV003656334.2).
Genomic context (GRCh38, chr17:8,237,516, plus strand): 5'-CACCAGAGCACTCAATCGAACTAGACTCCCAGCCAGGTTTCGCTGCACACCTCTGAGCTT[GT>G]TTCTAAGAAGGAAGAAAAAGCCCTGTAATCCCAGCTACTCAGGAGGCTGAGGGAGGAGAA-3'